The following is an entry in ClinVar:

NM_033225.6(CSMD1):c.5919C>G (p.Thr1973=)

Gene: CSMD1 (CUB and Sushi multiple domains 1; minus strand). Cytogenetic location: 8p23.2.
Variant type: single nucleotide variant.
Coding change: c.5919C>G on transcript NM_033225.6 (MANE Select); coding-DNA position 5919, C replaced by G.
Protein change: p.Thr1973=; no amino-acid change (threonine 1973 retained).
Molecular consequence: synonymous variant.
Genome position (GRCh38, 1-based): chr8:3,151,509, G>C on the plus strand (C>G on the coding strand, the complement: CSMD1 is on the minus strand). VCF-style: chr8-3151509-G-C. GRCh37 (hg19) VCF-style: chr8-3009031-G-C.
Identifiers: ClinVar variation 3044992 (VCV003044992.2), dbSNP rs369415888, ClinGen allele CA4606690.

ClinVar aggregate classification (germline): Likely benign (0 of 4 stars; one submission).

Conditions:
CSMD1-related disorder. Also called: CSMD1-related condition.

Allele frequency attached by ClinVar (database versions not stated): TOPMed 0.00011; 1000 Genomes Project 30x 0.00016; 1000 Genomes Project 0.00020; ESP Exome Variant Server 0.00023.
gnomAD v4.1: 51 of 1,609,384 alleles (0.0032%); highest among the groups gnomAD compares: African/African-American, 0.055%; no homozygotes.

Submission:

PreventionGenetics, part of Exact Sciences
Classification: Likely benign for CSMD1-related condition. Last evaluated: 2019-11-21. Review status: no assertion criteria provided. Collection method: clinical testing. Allele origin: germline.
Comment: This variant is classified as likely benign based on ACMG/AMP sequence variant interpretation guidelines (Richards et al. 2015 PMID: 25741868, with internal and published modifications).